The following is an entry in ClinVar:

ClinVar aggregate classification (germline): Uncertain significance. Review status: criteria provided, multiple submitters, no conflicts (2 of 4 stars). 3 submissions from 3 submitters: Uncertain significance (2). 1 of the submissions does not count toward it. Last evaluated 2024-12-02.

Conditions:
Leber congenital amaurosis 12 (LCA12). Identifiers: Orphanet 65, MedGen C1857743, MONDO:0012525, OMIM 610612.
RD3-related disorder. Also called: RD3-related condition.

Allele frequency attached by ClinVar (database versions not stated): gnomAD exomes 0.00002 and 0.00004; ExAC 0.00008; gnomAD 0.00014 and 0.00018; TOPMed 0.00016; ESP Exome Variant Server 0.00031.
gnomAD v4.1: 47 of 1,613,278 alleles (0.0029%); highest among the groups gnomAD compares: African/African-American, 0.047%; no homozygotes.

Submissions (3):

Labcorp Genetics (formerly Invitae), Labcorp
Classification: Uncertain significance for Leber congenital amaurosis 12. Last evaluated: 2024-12-02. Review status: criteria provided, single submitter. Criteria: Invitae Variant Classification Sherloc (09022015). Collection method: clinical testing. Allele origin: germline.
Comment: This sequence change replaces glutamic acid, which is acidic and polar, with lysine, which is basic and polar, at codon 11 of the RD3 protein (p.Glu11Lys). This variant is present in population databases (rs145054188, gnomAD 0.07%). This variant has not been reported in the literature in individuals affected with RD3-related conditions. ClinVar contains an entry for this variant (Variation ID: 1000912). An algorithm developed to predict the effect of missense changes on protein structure and function outputs the following: PolyPhen-2: "Benign". The lysine amino acid residue is found in multiple mammalian species, which suggests that this missense change does not adversely affect protein function. In summary, the available evidence is currently insufficient to determine the role of this variant in disease. Therefore, it has been classified as a Variant of Uncertain Significance.

Blueprint Genetics
Classification: Uncertain significance. Last evaluated: 2021-09-21. Review status: criteria provided, single submitter. Criteria: ACMG Guidelines, 2015. Collection method: clinical testing. Allele origin: germline.

PreventionGenetics, part of Exact Sciences
Classification: Uncertain significance for RD3-related condition. Last evaluated: 2024-05-28. Review status: no assertion criteria provided. Collection method: clinical testing. Allele origin: germline. Not counted in ClinVar's aggregate classification.
Comment: The RD3 c.31G>A variant is predicted to result in the amino acid substitution p.Glu11Lys. To our knowledge, this variant has not been reported in the literature. This variant is reported in 0.068% of alleles in individuals of African descent in gnomAD. At this time, the clinical significance of this variant is uncertain due to the absence of conclusive functional and genetic evidence.

NM_001164688.2(RD3):c.31G>A (p.Glu11Lys)

Gene: RD3 (RD3 regulator of GUCY2D; minus strand). Cytogenetic location: 1q32.3.
Variant type: single nucleotide variant.
Coding change: c.31G>A on transcript NM_001164688.2 (MANE Select); coding-DNA position 31, G replaced by A.
Protein change: p.Glu11Lys; replaces glutamic acid 11 with lysine.
Molecular consequence: missense variant.
Genome position (GRCh38, 1-based): chr1:211,481,385, C>T on the plus strand (G>A on the coding strand, the complement: RD3 is on the minus strand). VCF-style: chr1-211481385-C-T. GRCh37 (hg19) VCF-style: chr1-211654727-C-T.
Other names: c.31G>A (NM_183059.2); c.31G>A, p.Glu11Lys (NM_183059.3); short protein forms E11K.
Identifiers: ClinVar variation 1000912 (VCV001000912.8), dbSNP rs145054188, ClinGen allele CA1381174.